The following is an entry in ClinVar:

ClinVar aggregate classification (germline): Likely pathogenic (1 of 4 stars; one submission).

Conditions:
Nephronophthisis-like nephropathy 1 (NPHPL1). Identifiers: Orphanet 655, MedGen C3150419, MONDO:0013163, OMIM 613159.

Submission:

Juno Genomics, Hangzhou Juno Genomics, Inc
Classification: Likely pathogenic for Nephronophthisis-like nephropathy 1. Review status: criteria provided, single submitter. Criteria: ACMG Guidelines, 2015. Collection method: clinical testing. Allele origin: germline.
Comment: Absent from controls (or at extremely low frequency if recessive) in Genome Aggregation Database.;Null variant in a gene where loss of function (LOF) is a known mechanism of disease.

NM_022098.4(XPNPEP3):c.685_686dup (p.Ser229fs)

Gene: XPNPEP3 (X-prolyl aminopeptidase 3; plus strand). Cytogenetic location: 22q13.2.
Variant type: Microsatellite.
Coding change: c.685_686dup on transcript NM_022098.4 (MANE Select); coding-DNA positions 685 to 686, 2 bases duplicated (AG; older notation c.685_686dupAG).
Protein change: p.Ser229fs; shifts the reading frame from serine 229.
Molecular consequence: frameshift variant.
Genome position (GRCh38, 1-based): chr22:40,886,408-40,886,409, AG duplicated; duplicating any 2 consecutive bases within chr22:40,886,406-40,886,409 gives the same sequence; the c. name uses the placement nearest the transcript's 3' end. VCF-style (leftmost placement, unchanged base first): chr22-40886405-A-AAG. GRCh37 (hg19) VCF-style: chr22-41282409-A-AAG.
Other names: short protein forms S229fs.
Identifiers: ClinVar variation 5019732 (VCV005019732.2).
Genomic context (GRCh38, chr22:40,886,405, plus strand): 5'-AGGCCCTCACATGCACAGCTTCACTCTGACTATATGCAGCCCCTGACTGAGGCCAAAGCC[A>AAG]AGAGCAAGAACAAGGTTCGGGGTGTTCAGCAGCTGATACAGCGCCTCCGGCTGATCAAGT-3'